The following is an entry in ClinVar:

ClinVar aggregate classification (germline): Uncertain significance (1 of 4 stars; one submission).

Conditions:
Saldino-Mainzer syndrome (SRTD9). Also called: Renal dysplasia, retinal pigmentary dystrophy, cerebellar ataxia and skeletal dysplasia; CONORENAL SYNDROME; short-rib thoracic dysplasia 9 with or without polydactyly; SHORT-RIB THORACIC DYSPLASIA 9 WITHOUT POLYDACTYLY. Identifiers: Orphanet 140969, MedGen C1849437, MONDO:0009964, OMIM 266920.

Allele frequency attached by ClinVar (database versions not stated): gnomAD exomes below 0.00001; ESP Exome Variant Server 0.00008; ExAC 0.00001; gnomAD 0.00003; TOPMed 0.00003.
gnomAD v4.1: 6 of 1,613,758 alleles (0.00037%); highest among the groups gnomAD compares: African/African-American, 0.008%; no homozygotes.

Submission:

Labcorp Genetics (formerly Invitae), Labcorp
Classification: Uncertain significance for Saldino-Mainzer syndrome. Last evaluated: 2022-04-20. Review status: criteria provided, single submitter. Criteria: Invitae Variant Classification Sherloc (09022015). Collection method: clinical testing. Allele origin: germline.
Comment: This sequence change replaces arginine, which is basic and polar, with lysine, which is basic and polar, at codon 560 of the IFT140 protein (p.Arg560Lys). This variant is present in population databases (rs376061729, gnomAD 0.007%). This variant has not been reported in the literature in individuals affected with IFT140-related conditions. Algorithms developed to predict the effect of missense changes on protein structure and function output the following: SIFT: "Tolerated"; PolyPhen-2: "Benign"; Align-GVGD: "Class C0". The lysine amino acid residue is found in multiple mammalian species, which suggests that this missense change does not adversely affect protein function. In summary, the available evidence is currently insufficient to determine the role of this variant in disease. Therefore, it has been classified as a Variant of Uncertain Significance.

NM_014714.4(IFT140):c.1679G>A (p.Arg560Lys)

Gene: IFT140 (intraflagellar transport 140; minus strand). Cytogenetic location: 16p13.3.
Variant type: single nucleotide variant.
Coding change: c.1679G>A on transcript NM_014714.4 (MANE Select); coding-DNA position 1679, G replaced by A.
Protein change: p.Arg560Lys; replaces arginine 560 with lysine.
Molecular consequence: missense variant.
Genome position (GRCh38, 1-based): chr16:1,568,308, C>T on the plus strand (G>A on the coding strand, the complement: IFT140 is on the minus strand). VCF-style: chr16-1568308-C-T. GRCh37 (hg19) VCF-style: chr16-1618309-C-T.
Other names: short protein forms R560K.
Identifiers: ClinVar variation 1952261 (VCV001952261.2), dbSNP rs376061729, ClinGen allele CA7814177.
Genomic context (GRCh38, chr16:1,568,308, plus strand): 5'-CTGCTGCTGCACCGCAGAGAAGCGATGCCCCCCACCCCAGGGACCAGCTCCGCCAGGCTC[C>T]TGCAGCTACAGTGTGCTTTGGCCTCTCTGCAGGGAGGAAGAGGGACCTCAGTGCCCGCCA-3'
Protein context (NP_055529.2, residues 550-570): RREAKAHCSC[Arg560Lys]SLAELVPGVG